The following is an entry in ClinVar:

NM_001267550.2(TTN):c.67959T>A (p.Phe22653Leu)

Genes: TTN (titin; minus strand), TTN-AS1 (TTN antisense RNA 1; plus strand), LOC126806423 (CDK7 strongly-dependent group 2 enhancer GRCh37_chr2:179443309-179444508; plus strand). Cytogenetic location: 2q31.2.
Variant type: single nucleotide variant.
Coding change: c.67959T>A on transcript NM_001267550.2 (MANE Select); coding-DNA position 67959, T replaced by A.
Protein change: p.Phe22653Leu; replaces phenylalanine 22653 with leucine.
Molecular consequence: missense variant.
Genome position (GRCh38, 1-based): chr2:178,579,071, A>T on the plus strand (T>A on the coding strand, the complement: TTN is on the minus strand). VCF-style: chr2-178579071-A-T. GRCh37 (hg19) VCF-style: chr2-179443798-A-T.
Other names: c.63036T>A, p.Phe21012Leu (NM_001256850.1); c.40764T>A, p.Phe13588Leu (NM_003319.4); c.60255T>A, p.Phe20085Leu (NM_133378.4); c.41139T>A, p.Phe13713Leu (NM_133432.3); c.41340T>A, p.Phe13780Leu (NM_133437.4); short protein forms F13588L, F13713L, F13780L, F20085L, F21012L, F22653L.
Identifiers: ClinVar variation 2651614 (VCV002651614.26), dbSNP rs72646877, ClinGen allele CA1991213.

ClinVar aggregate classification (germline): Conflicting classifications of pathogenicity. Review status: criteria provided, conflicting classifications (1 of 4 stars). 3 submissions from 3 submitters: Uncertain significance (2); Likely benign (1). Last evaluated 2025-11-01.

Conditions:
TTN-related disorder. Also called: TTN-related condition; TTN-related disease; TTN-related disorders.

gnomAD v4.1: 15 of 1,613,196 alleles (0.00093%); highest among the groups gnomAD compares: Non-Finnish European, 0.0012%; no homozygotes.

Submissions (3):

PreventionGenetics, part of Exact Sciences
Classification: Uncertain significance for TTN-related condition. Last evaluated: 2025-11-01. Review status: criteria provided, single submitter. Criteria: ACMG Guidelines, 2015. Collection method: clinical testing. Allele origin: germline.
Comment: The TTN c.67959T>A variant is predicted to result in the amino acid substitution p.Phe22653Leu. This variant has been reported in a cohort of individuals with dilated cardiomyopathy (Begay et al. 2015. PubMed ID: 26567375). This variant is reported in 0.0018% of alleles in individuals of European (Non-Finnish) descent in gnomAD. At this time, the clinical significance of this variant is uncertain due to the absence of conclusive functional and genetic evidence.

CeGaT Center for Human Genetics Tuebingen
Classification: Uncertain significance. Last evaluated: 2023-01-01. Review status: criteria provided, single submitter. Criteria: CeGaT Center For Human Genetics Tuebingen Variant Classification Criteria Version 2. Collection method: clinical testing. Allele origin: germline. Affected: yes. Observed: 1 variant allele.
Comment: TTN: PM2

Blueprint Genetics
Classification: Likely benign. Last evaluated: 2022-11-29. Review status: criteria provided, single submitter. Criteria: ACMG Guidelines, 2015. Collection method: clinical testing. Allele origin: germline.